The following is an entry in ClinVar:

ClinVar aggregate classification (germline): Conflicting classifications of pathogenicity. Review status: criteria provided, conflicting classifications (1 of 4 stars). 7 submissions from 7 submitters: Pathogenic (1); Likely pathogenic (4); Uncertain significance (2). Last evaluated 2026-01-04.

Conditions:
Cardiomyopathy (CMYO). Also called: Cardiomyopathies. Identifiers: Orphanet 167848, MedGen C0878544, MONDO:0004994, HP:0001638. Inheritance: Various modes of inheritance.
Hypertrophic cardiomyopathy. Also called: HYPERTROPHIC MYOCARDIOPATHY. Identifiers: Orphanet 217569, MedGen C0007194, MeSH D002312, MONDO:0005045, HP:0001639.
Cardiovascular phenotype. Identifiers: MedGen CN230736.

Allele frequency attached by ClinVar (database versions not stated): gnomAD exomes below 0.00001; gnomAD 0.00001; TOPMed 0.00001.

Submissions (7):

Labcorp Genetics (formerly Invitae), Labcorp
Classification: Pathogenic for Hypertrophic cardiomyopathy. Last evaluated: 2026-01-04. Review status: criteria provided, single submitter. Criteria: Invitae Variant Classification Sherloc (09022015). Collection method: clinical testing. Allele origin: germline.
Comment: This sequence change falls in intron 26 of the MYBPC3 gene. It does not directly change the encoded amino acid sequence of the MYBPC3 protein. It affects a nucleotide within the consensus splice site. This variant is not present in population databases (gnomAD no frequency). This variant has been observed in individuals with hypertrophic cardiomyopathy (PMID: 30297972, 33190526; internal data). ClinVar contains an entry for this variant (Variation ID: 92690). Variants that disrupt the consensus splice site are a relatively common cause of aberrant splicing (PMID: 17576681, 9536098). Algorithms developed to predict the effect of sequence changes on RNA splicing suggest that this variant may disrupt the consensus splice site. For these reasons, this variant has been classified as Pathogenic.

Color Diagnostics, LLC DBA Color Health
Classification: Likely pathogenic for Cardiomyopathy. Last evaluated: 2025-05-20. Review status: criteria provided, single submitter. Criteria: ACMG Guidelines, 2015. Collection method: clinical testing. Allele origin: germline.
Comment: This variant causes a G to A nucleotide substitution at the +5 position of intron 26 of the MYBPC3 gene. Splice site prediction tools predict that this variant may have a significant impact on RNA splicing. To our knowledge, functional studies have not been reported for this variant. This variant has been reported in individuals affected with hypertrophic cardiomyopathy (PMID: 30297972, 32841044, 33190526communication with external laboratories [ClinVar variation ID: 92690]). This variant has not been identified in the general population by the Genome Aggregation Database (gnomAD). Based on the available evidence, this variant is classified as Likely Pathogenic.

Ambry Genetics
Classification: Likely pathogenic for Cardiovascular phenotype. Last evaluated: 2025-01-06. Review status: criteria provided, single submitter. Criteria: Ambry Variant Classification Scheme 2023. Collection method: clinical testing. Allele origin: germline.
Comment: The c.2737+5G>A intronic variant results from a G to A substitution 5 nucleotides after coding exon 26 in the MYBPC3 gene. This alteration has been reported in multiple unrelated probands with hypertrophic cardiomyopathy (HCM) (Ho CY et al. Circulation, 2018 Oct;138:1387-1398; O'Hare BJ et al. Circ Genom Precis Med, 2020 Dec;13:e003013; GeneDx pers. comm.; Invitae pers. comm.; Ambry internal data). This nucleotide position is highly conserved in available vertebrate species. In silico splice site analysis predicts that this alteration will weaken the native splice donor site. This variant is considered to be rare based on population cohorts in the Genome Aggregation Database (gnomAD). Based on the majority of available evidence to date, this variant is likely to be pathogenic.

All of Us Research Program, National Institutes of Health
Classification: Likely pathogenic for Hypertrophic cardiomyopathy. Last evaluated: 2023-06-08. Review status: criteria provided, single submitter. Criteria: ACMG Guidelines, 2015. Collection method: clinical testing. Allele origin: germline. Inheritance: Autosomal dominant inheritance. Observed: 1 variant allele, 1 heterozygote.
Comment: This variant causes a G to A nucleotide substitution at the +5 position of intron 26 of the MYBPC3 gene. Splice site prediction tools predict that this variant may have a significant impact on RNA splicing. To our knowledge, functional studies have not been reported for this variant. This variant has been reported in individuals affected with hypertrophic cardiomyopathy (PMID: 30297972, 32841044, 33190526; communication with external laboratories [ClinVar variation ID: 92690]). This variant has not been identified in the general population by the Genome Aggregation Database (gnomAD). Based on the available evidence, this variant is classified as Likely Pathogenic.

This study involves interpretation of variants in research participants for the purpose of population health screening. Participant phenotype was not available at the time of variant classification. Additional details can be found in publication PMID: 35346344, PMCID: PMC8962531

Blueprint Genetics
Classification: Uncertain significance. Last evaluated: 2022-08-31. Review status: criteria provided, single submitter. Criteria: ACMG Guidelines, 2015. Collection method: clinical testing. Allele origin: germline.

Mayo Clinic Laboratories, Mayo Clinic
Classification: Likely pathogenic. Last evaluated: 2019-07-08. Review status: criteria provided, single submitter. Criteria: ACMG Guidelines, 2015. Collection method: clinical testing. Allele origin: germline. Observed: 1 variant allele.
Comment: PVS1_moderate, PM2, PS4_moderate

Eurofins Ntd Llc (ga)
Classification: Uncertain significance. Last evaluated: 2015-09-16. Review status: criteria provided, single submitter. Criteria: EGL Classification Definitions 2015. Collection method: clinical testing. Allele origin: germline. Observed: 2 variant alleles, 2 heterozygotes.

Literature cited by the submitters: PubMed 30297972 (cited by 4 submitters); PubMed 33190526 (cited by 4 submitters); PubMed 17576681 (cited by Labcorp Genetics (formerly Invitae), Labcorp); PubMed 9536098 (cited by Labcorp Genetics (formerly Invitae), Labcorp); PubMed 32841044 (cited by Color Diagnostics, LLC DBA Color Health and All of Us Research Program, National Institutes of Health).

NC_000011.10:g.47335872C>T

Gene: MYBPC3 (myosin binding protein C3; minus strand). Cytogenetic location: 11p11.2.
Variant type: single nucleotide variant.
Genome position: GRCh38 VCF-style: chr11-47335872-C-T. GRCh37 (hg19) VCF-style: chr11-47357423-C-T.
Other names: c.2737+5G>A (NM_000256.3, LRG_386t1).
Identifiers: ClinVar variation 92690 (VCV000092690.31), dbSNP rs398123280, ClinGen allele CA012905.